The following is an entry in ClinVar:

ClinVar aggregate classification (germline): Pathogenic/Likely pathogenic. Review status: criteria provided, multiple submitters, no conflicts (2 of 4 stars). 11 submissions from 10 submitters: Pathogenic (7); Likely pathogenic (1). 3 of the submissions do not count toward it. Last evaluated 2026-01-08.

Conditions:
Inborn genetic diseases. Identifiers: MedGen C0950123, MeSH D030342.
CDKL5 disorder. Identifiers: MedGen CN296942, MONDO:0100039.
Developmental and epileptic encephalopathy, 2 (DEE2). Also called: CDKL5 deficiency disorder; INFANTILE SPASM SYNDROME, X-LINKED 2. Identifiers: Orphanet 1934, Orphanet 3451, Orphanet 505652, MedGen C4750718, MONDO:0010396, OMIM 300672.
Angelman syndrome-like. Identifiers: MedGen CN128785.
Atypical Rett syndrome. Also called: Rett like syndrome; Variant Rett Syndrome. Identifiers: Orphanet 3095, MedGen C2748910, MONDO:0017746.

Submissions (11):

Ambry Genetics
Classification: Pathogenic for Inborn genetic diseases. Last evaluated: 2026-01-08. Review status: criteria provided, single submitter. Criteria: Ambry Variant Classification Scheme 2023. Collection method: clinical testing. Allele origin: germline.
Comment: The c.163_166delGAAA (p.E55Rfs*20) alteration, located in exon 5 (coding exon 4) of the CDKL5 gene, consists of a deletion of 4 nucleotides from position 163 to 166, causing a translational frameshift with a predicted alternate stop codon after 20 amino acids. This alteration is expected to result in loss of function by premature protein truncation or nonsense-mediated mRNA decay. This variant was not reported in population-based cohorts in the Genome Aggregation Database (gnomAD). This variant was reported in individual(s) with features consistent with CDKL5-related developmental and epileptic encephalopathy (Mei, 2010). Based on the available evidence, this alteration is classified as pathogenic.

Variantyx, Inc.
Classification: Pathogenic for Developmental and epileptic encephalopathy, 2. Last evaluated: 2025-12-30. Review status: criteria provided, single submitter. Criteria: Variantyx Assertion Criteria 2022. Collection method: clinical testing. Allele origin: maternal. Inheritance: X-linked dominant inheritance. Affected: yes.
Comment: This is a frameshift variant in the CDKL5 gene (OMIM: 300203). Pathogenic variants in this gene have been associated with X-linked developmental and epileptic encephalopathy 2. This variant introduces a premature termination codon in exon 5 out of 18 and is expected to result in loss of function, which is a known disease mechanism for CDKL5 in this disorder (PMID: 22872100) (PVS1). This variant has been reported in at least 2 affected individuals (PMID: 19780792, 15689447) (PS4) and is absent from control populations (PM2). Based on the current evidence, this variant is classified as pathogenic for X-linked developmental and epileptic encephalopathy 2.

Center of Human Genetics, Hôpital Erasme
Classification: Pathogenic for Developmental and epileptic encephalopathy, 2. Last evaluated: 2025-01-01. Review status: criteria provided, single submitter. Criteria: ACMG Guidelines, 2015. Collection method: clinical testing. Allele origin: de novo. Affected: yes.

Labcorp Genetics (formerly Invitae), Labcorp
Classification: Pathogenic for Developmental and epileptic encephalopathy, 2; Angelman syndrome-like. Last evaluated: 2024-12-17. Review status: criteria provided, single submitter. Criteria: Invitae Variant Classification Sherloc (09022015). Collection method: clinical testing. Allele origin: germline.
Comment: This sequence change creates a premature translational stop signal (p.Glu55Argfs*20) in the CDKL5 gene. It is expected to result in an absent or disrupted protein product. Loss-of-function variants in CDKL5 are known to be pathogenic (PMID: 22872100). This variant is not present in population databases (gnomAD no frequency). This premature translational stop signal has been observed in individuals with CDKL5-related disease (PMID: 15689447, 19780792). ClinVar contains an entry for this variant (Variation ID: 143779). For these reasons, this variant has been classified as Pathogenic.

Centre for Population Genomics, CPG
Classification: Pathogenic for CDKL5 disorder. Last evaluated: 2024-07-04. Review status: criteria provided, single submitter. Criteria: McKnight et al. (Hum Mutat. 2022). Collection method: curation. Allele origin: germline. Inheritance: X-linked inheritance.
Comment: This variant has been collected from RettBASE and curated to current modified ACMG/AMP criteria. Based on the classification scheme defined by the ClinGen Rett/Angelman-like Expert Panel for Rett/AS-like Disorders Specifications to the ACMG/AMP Variant Interpretation Guidelines VCEP 3.0, this variant is classified as pathogenic. At least the following criteria are met: Predicted to result in loss of function, and LOF is a known mechanism of disease (PVS1). This variant is absent from gnomAD (PM2_Supporting). Has been observed in at least 2 individuals with phenotypes consistent with CDKL5 disorder (PS4_Supporting, PMID: 15689447, 19780792).

Kasturba Medical College, Manipal, Kasturba Medical College, Manipal, Manipal Academy of Higher Education, Manipal, India
Classification: Pathogenic for Developmental and epileptic encephalopathy, 2. Last evaluated: 2021-01-14. Review status: criteria provided, single submitter. Criteria: ACMG Guidelines, 2015. Collection method: clinical testing. Allele origin: germline. Affected: yes.

NeuroMeGen, Hospital Clinico Santiago de Compostela
Classification: Likely pathogenic for Developmental and epileptic encephalopathy, 2. Last evaluated: 2018-01-01. Review status: criteria provided, single submitter. Criteria: ACMG Guidelines, 2015. Collection method: clinical testing. Allele origin: de novo. Affected: yes. Observed: 1 heterozygote.

Pediatric Department, Xiangya Hospital, Central South University
Classification: Pathogenic for Developmental and epileptic encephalopathy 2. Review status: criteria provided, single submitter. Criteria: ACMG Guidelines, 2015. Collection method: research. Allele origin: de novo. Affected: yes.

RettBASE
Classification: Pathogenic for Atypical Rett syndrome. Last evaluated: 2014-03-13. Review status: no assertion criteria provided. Collection method: curation. Allele origin: de novo. Affected: yes. Observed: 1 variant allele. Not counted in ClinVar's aggregate classification.

RettBASE
Classification: Pathogenic for Epileptic encephalopathy, early infantile, 2. Last evaluated: 2014-03-13. Review status: no assertion criteria provided. Collection method: curation. Allele origin: unknown. Affected: yes. Observed: 1 variant allele. Not counted in ClinVar's aggregate classification.

OMIM
Classification: Pathogenic for DEVELOPMENTAL AND EPILEPTIC ENCEPHALOPATHY 2. Last evaluated: 2005-02-01. Review status: no assertion criteria provided. Collection method: literature only. Allele origin: germline. Not counted in ClinVar's aggregate classification.

Literature cited by the submitters: PubMed 19780792 (cited by 4 submitters); PubMed 15689447 (cited by 4 submitters); PubMed 22872100 (cited by Variantyx, Inc. and Labcorp Genetics (formerly Invitae), Labcorp); PubMed 31780880 (cited by Variantyx, Inc.); PubMed 31031587 (cited by Variantyx, Inc.).

NM_001323289.2(CDKL5):c.163_166del (p.Glu55fs)

Gene: CDKL5 (cyclin dependent kinase like 5; plus strand). Cytogenetic location: Xp22.13.
Variant type: Deletion.
Coding change: c.163_166del on transcript NM_001323289.2 (MANE Select); coding-DNA positions 163 to 166, 4 bases deleted (GAAA; older notation c.163_166delGAAA).
Protein change: p.Glu55fs; shifts the reading frame from glutamic acid 55.
Molecular consequence: frameshift variant.
Genome position (GRCh38, 1-based): chrX:18,575,371-18,575,374, GAAA deleted; deleting any 4 consecutive bases within chrX:18,575,368-18,575,374 gives the same sequence; the c. name uses the placement nearest the transcript's 3' end. VCF-style (leftmost placement, unchanged base first): chrX-18575367-CAAAG-C. GRCh37 (hg19) VCF-style: chrX-18593487-CAAAG-C.
Other names: NM_001323289.2(CDKL5):c.163_166del; p.Glu55fs; c.163_166del, p.Glu55fs (NM_001037343.2, NM_003159.3); c.163_166delGAAA (NM_003159.2, NM_001037343.1); c.161_164del (NM_003159.3); short protein forms E55fs.
Identifiers: ClinVar variation 143779 (VCV000143779.17), dbSNP rs267608433, ClinGen allele CA170451.
Genomic context (GRCh38, chrX:18,575,367, plus strand): 5'-GCTTGAAAGTTTTCATTTTAGTCTCTTCACCATTGTTTACATTCTAGAAAATGAAGAAGT[CAAAG>C]AAACGACTTTACGAGAGCTTAAAATGCTTCGGACTCTCAAGCAGGAAAACATTGTGGAGT-3'